The following is an entry in ClinVar:

ClinVar aggregate classification (germline): Uncertain significance. Review status: criteria provided, multiple submitters, no conflicts (2 of 4 stars). 2 submissions from 2 submitters: Uncertain significance (2). Last evaluated 2023-12-06.

Conditions:
Dilated cardiomyopathy 1G (CMD1G). Identifiers: Orphanet 154, MedGen C1858763, MONDO:0011400, OMIM 604145.
Autosomal recessive limb-girdle muscular dystrophy type 2J (LGMDR10). Also called: Limb-girdle muscular dystrophy, type 2J; MUSCULAR DYSTROPHY, LIMB-GIRDLE, AUTOSOMAL RECESSIVE 10. Identifiers: Orphanet 140922, MedGen C1837342, MONDO:0012127, OMIM 608807.

Submissions (2):

Labcorp Genetics (formerly Invitae), Labcorp
Classification: Uncertain significance for Dilated cardiomyopathy 1G; Autosomal recessive limb-girdle muscular dystrophy type 2J. Last evaluated: 2023-12-06. Review status: criteria provided, single submitter. Criteria: Invitae Variant Classification Sherloc (09022015). Collection method: clinical testing. Allele origin: germline.
Comment: This sequence change replaces glutamic acid, which is acidic and polar, with glutamine, which is neutral and polar, at codon 8547 of the TTN protein (p.Glu8547Gln). This variant also falls at the last nucleotide of exon 88, which is part of the consensus splice site for this exon. This variant is not present in population databases (gnomAD no frequency). This variant has not been reported in the literature in individuals affected with TTN-related conditions. ClinVar contains an entry for this variant (Variation ID: 404781). Variants that disrupt the consensus splice site are a relatively common cause of aberrant splicing (PMID: 17576681, 9536098). Algorithms developed to predict the effect of sequence changes on RNA splicing suggest that this variant may disrupt the consensus splice site. This variant is located in the I band of TTN (PMID: 25589632). Non-truncating variants in this region may be clinically relevant, but have not been definitively shown to cause cardiomyopathy or neuromuscular disease (PMID: 27493940, 32778822). In summary, the available evidence is currently insufficient to determine the role of this variant in disease. Therefore, it has been classified as a Variant of Uncertain Significance.

GeneDx
Classification: Uncertain significance. Last evaluated: 2019-11-18. Review status: criteria provided, single submitter. Criteria: GeneDx Variant Classification Process June 2021. Collection method: clinical testing. Allele origin: germline. Affected: yes.
Comment: Has not been previously published as pathogenic or benign to our knowledge; Not observed in large population cohorts (Lek et al., 2016); In silico analysis, which includes splice predictors and evolutionary conservation, suggests this variant may impact gene splicing; in the absence of RNA/functional studies, the actual effect of this sequence change is unknown; Located in the I-band region of the TTN gene and is predicted to cause loss of normal protein function by protein truncation; studies suggest that truncating variants affecting constitutive exons throughout the TTN gene are associated with DCM (Deo, 2016; Schafer et al., 2017)

Literature cited by the submitters: PubMed 17576681 (cited by Labcorp Genetics (formerly Invitae), Labcorp); PubMed 9536098 (cited by Labcorp Genetics (formerly Invitae), Labcorp); PubMed 25589632 (cited by Labcorp Genetics (formerly Invitae), Labcorp); PubMed 27493940 (cited by Labcorp Genetics (formerly Invitae), Labcorp); PubMed 32778822 (cited by Labcorp Genetics (formerly Invitae), Labcorp).

NM_001267550.2(TTN):c.25639G>C (p.Glu8547Gln)

Gene: TTN (titin; minus strand). Cytogenetic location: 2q31.2.
Variant type: single nucleotide variant.
Coding change: c.25639G>C on transcript NM_001267550.2 (MANE Select); coding-DNA position 25639, G replaced by C.
Protein change: p.Glu8547Gln; replaces glutamic acid 8547 with glutamine.
Molecular consequence: missense variant. On other transcripts: intron variant (3).
Genome position (GRCh38, 1-based): chr2:178,717,095, C>G on the plus strand (G>C on the coding strand, the complement: TTN is on the minus strand). VCF-style: chr2-178717095-C-G. GRCh37 (hg19) VCF-style: chr2-179581822-C-G.
Other names: c.24688G>C, p.Glu8230Gln (NM_001256850.1); c.21907G>C, p.Glu7303Gln (NM_133378.4); c.13282+20987G>C (NM_003319.4); c.13858+20987G>C (NM_133437.4); c.13657+20987G>C (NM_133432.3); short protein forms E8547Q, E7303Q, E8230Q.
Identifiers: ClinVar variation 404781 (VCV000404781.9), dbSNP rs1060500447, ClinGen allele CA16610498.
Genomic context (GRCh38, chr2:178,717,095, plus strand): 5'-CCTATATTTTAAGATACTGAAAATGTAAAAGAGATCTTGCTCCTTCACTCTAACAAGTAC[C>G]TTGTACACCCAGCTGAGCAGAACAAGAGTCTTTTCCAGCGATGTTGCTTGCATAGCAGGT-3'
Protein context (NP_001254479.2, residues 8537-8557): DSCSAQLGVQ[Glu8547Gln]PPRFIKKLEP